The following is an entry in ClinVar:

ClinVar aggregate classification (germline): Benign/Likely benign. Review status: criteria provided, multiple submitters, no conflicts (2 of 4 stars). 9 submissions from 9 submitters: Benign (3); Likely benign (3). 3 of the submissions do not count toward it. Last evaluated 2026-09-01.

Conditions:
Dyskeratosis congenita, autosomal recessive 5 (DKCB5). Identifiers: MedGen C3554656, MONDO:0014076, OMIM 615190.
Pulmonary fibrosis and/or bone marrow failure, Telomere-related, 3. Also called: PULMONARY FIBROSIS AND/OR BONE MARROW FAILURE SYNDROME, TELOMERE-RELATED, 3. Identifiers: Orphanet 2032, MedGen C4225346, MONDO:0014613, OMIM 616373.
RTEL1-related disorder. Also called: RTEL1-related condition; RTEL1-related disorders.
Dyskeratosis congenita. Identifiers: Orphanet 1775, MedGen C0265965, MONDO:0015780.

Allele frequency attached by ClinVar (database versions not stated): ESP Exome Variant Server 0.00085; 1000 Genomes Project 30x 0.00094; 1000 Genomes Project 0.00100; TOPMed 0.00152; gnomAD exomes 0.00165 and 0.00172; gnomAD 0.00174 and 0.00176; ExAC 0.00177.
gnomAD v4.1: 2,748 of 1,605,996 alleles (0.17%); highest among the groups gnomAD compares: Non-Finnish European, 0.18%; 9 homozygotes.

Submissions (9):

CeGaT Center for Human Genetics Tuebingen
Classification: Benign. Last evaluated: 2026-09-01. Review status: criteria provided, single submitter. Criteria: CeGaT Center For Human Genetics Tuebingen Variant Classification Criteria Version 2. Collection method: clinical testing. Allele origin: germline. Affected: yes. Observed: 7 variant alleles.
Comment: RTEL1: BP4, BS1, BS2

Labcorp Genetics (formerly Invitae), Labcorp
Classification: Benign for Dyskeratosis congenita, autosomal recessive 5; Pulmonary fibrosis and/or bone marrow failure, Telomere-related, 3. Last evaluated: 2026-02-01. Review status: criteria provided, single submitter. Criteria: Invitae Variant Classification Sherloc (09022015). Collection method: clinical testing. Allele origin: germline.

Center for Genomics, Ann and Robert H. Lurie Children's Hospital of Chicago
Classification: Benign for Pulmonary fibrosis and/or bone marrow failure, Telomere-related, 3. Last evaluated: 2025-12-04. Review status: criteria provided, single submitter. Criteria: ACMG Guidelines, 2015. Collection method: clinical testing. Allele origin: germline.
Comment: BS1, BS2, BP4

Blueprint Genetics
Classification: Likely benign. Last evaluated: 2024-11-11. Review status: criteria provided, single submitter. Criteria: ACMG Guidelines, 2015. Collection method: clinical testing. Allele origin: germline.

ARUP Laboratories, Molecular Genetics and Genomics, ARUP Laboratories
Classification: Likely benign. Last evaluated: 2023-12-13. Review status: criteria provided, single submitter. Criteria: ARUP Molecular Germline Variant Investigation Process 2024. Collection method: clinical testing. Allele origin: germline.

Sema4
Classification: Likely benign for Dyskeratosis congenita. Last evaluated: 2021-03-02. Review status: criteria provided, single submitter. Criteria: Sema4 Curation Guidelines. Collection method: curation. Allele origin: germline.

PreventionGenetics, part of Exact Sciences
Classification: Likely benign for RTEL1-related condition. Last evaluated: 2020-05-15. Review status: no assertion criteria provided. Collection method: clinical testing. Allele origin: germline. Not counted in ClinVar's aggregate classification.
Comment: This variant is classified as likely benign based on ACMG/AMP sequence variant interpretation guidelines (Richards et al. 2015 PMID: 25741868, with internal and published modifications).

Clinical Genetics DNA and cytogenetics Diagnostics Lab, Erasmus MC, Erasmus Medical Center
Classification: Likely benign. Review status: no assertion criteria provided. Collection method: clinical testing. Allele origin: germline. Affected: yes. Study: VKGL Data-share Consensus. Not counted in ClinVar's aggregate classification.

Genome Diagnostics Laboratory, University Medical Center Utrecht
Classification: Likely benign. Review status: no assertion criteria provided. Collection method: clinical testing. Allele origin: germline. Affected: yes. Study: VKGL Data-share Consensus. Not counted in ClinVar's aggregate classification.

NM_001283009.2(RTEL1):c.2444G>T (p.Ser815Ile)

Genes: RTEL1 (regulator of telomere elongation helicase 1; plus strand), RTEL1-TNFRSF6B (RTEL1-TNFRSF6B readthrough (NMD candidate); plus strand). Cytogenetic location: 20q13.33.
Variant type: single nucleotide variant.
Coding change: c.2444G>T on transcript NM_001283009.2 (MANE Select); coding-DNA position 2444, G replaced by T.
Protein change: p.Ser815Ile; replaces serine 815 with isoleucine.
Molecular consequence: missense variant. On other transcripts: non-coding transcript variant (1).
Genome position (GRCh38, 1-based): chr20:63,690,835, G>T. VCF-style: chr20-63690835-G-T. GRCh37 (hg19) VCF-style: chr20-62322188-G-T.
Other names: c.1775G>T, p.Ser592Ile (NM_001283010.1); c.2444G>T, p.Ser815Ile (NM_016434.4); c.2516G>T, p.Ser839Ile (NM_032957.5); short protein forms S815I, S839I, S592I.
Identifiers: ClinVar variation 540960 (VCV000540960.60), dbSNP rs150461578, ClinGen allele CA9965365.
Genomic context (GRCh38, chr20:63,690,835, plus strand): 5'-GCTTCACTGCGCACTCGGGTGCCCCTGCAGGGTCACCAGCTGCCGGGGACCCCGAGAGTA[G>T]CCTGTGTGTGGAGTATGAGCAGGAGCCAGTTCCTGCCCGGCAGAGGCCCAGGGGGCTGCT-3'
Protein context (NP_001269938.1, residues 805-825): GSPAAGDPES[Ser815Ile]LCVEYEQEPV